The following is an entry in ClinVar:

ClinVar aggregate classification (germline): Uncertain significance (1 of 4 stars; one submission).

Submission:

Labcorp Genetics (formerly Invitae), Labcorp
Classification: Uncertain significance. Last evaluated: 2025-11-10. Review status: criteria provided, single submitter. Criteria: Invitae Variant Classification Sherloc (09022015). Collection method: clinical testing. Allele origin: germline.
Comment: This sequence change replaces valine, which is neutral and non-polar, with isoleucine, which is neutral and non-polar, at codon 1613 of the RAI1 protein (p.Val1613Ile). This variant is present in population databases (no rsID available, gnomAD 0.02%). This variant has not been reported in the literature in individuals affected with RAI1-related conditions. Invitae Evidence Modeling of protein sequence and biophysical properties (such as structural, functional, and spatial information, amino acid conservation, physicochemical variation, residue mobility, and thermodynamic stability) indicates that this missense variant is not expected to disrupt RAI1 protein function with a negative predictive value of 80%. In summary, the available evidence is currently insufficient to determine the role of this variant in disease. Therefore, it has been classified as a Variant of Uncertain Significance.

NM_030665.4(RAI1):c.4837G>A (p.Val1613Ile)

Gene: RAI1 (retinoic acid induced 1; plus strand). Cytogenetic location: 17p11.2.
Variant type: single nucleotide variant.
Coding change: c.4837G>A on transcript NM_030665.4 (MANE Select); coding-DNA position 4837, G replaced by A.
Protein change: p.Val1613Ile; replaces valine 1613 with isoleucine.
Molecular consequence: missense variant.
Genome position (GRCh38, 1-based): chr17:17,797,785, G>A. VCF-style: chr17-17797785-G-A. GRCh37 (hg19) VCF-style: chr17-17701099-G-A.
Other names: short protein forms V1613I.
Identifiers: ClinVar variation 4771947 (VCV004771947.1).